The following is an entry in ClinVar:

ClinVar aggregate classification (germline): Pathogenic (1 of 4 stars; one submission).

Submission:

GeneDx
Classification: Pathogenic. Last evaluated: 2022-07-28. Review status: criteria provided, single submitter. Criteria: GeneDx Variant Classification Process June 2021. Collection method: clinical testing. Allele origin: germline. Affected: yes.
Comment: Frameshift variant predicted to result in protein truncation or nonsense mediated decay in a gene for which loss of function is a known mechanism of disease; Not observed at significant frequency in large population cohorts (gnomAD); This variant is associated with the following publications: (PMID: 33824499)

NM_020719.3(PRR12):c.2732_2744del (p.Gly911fs)

Gene: PRR12 (proline rich 12; plus strand). Cytogenetic location: 19q13.33.
Variant type: Deletion.
Coding change: c.2732_2744del on transcript NM_020719.3 (MANE Select); coding-DNA positions 2732 to 2744, 13 bases deleted (GCGCCTACCGCAG).
Protein change: p.Gly911fs; shifts the reading frame from glycine 911.
Molecular consequence: frameshift variant.
Genome position (GRCh38, 1-based): chr19:49,597,067-49,597,079, GCGCCTACCGCAG deleted; deleting any 13 consecutive bases within chr19:49,597,061-49,597,079 gives the same sequence; the c. name uses the placement nearest the transcript's 3' end. VCF-style (leftmost placement, unchanged base first): chr19-49597060-CCCGCAGGCGCCTA-C. GRCh37 (hg19) VCF-style: chr19-50100317-CCCGCAGGCGCCTA-C.
Other names: short protein forms G911fs.
Identifiers: ClinVar variation 2412950 (VCV002412950.3), dbSNP rs2514273561, ClinGen allele CA2580097568.